The following is an entry in ClinVar:

ClinVar aggregate classification (germline): Benign. Review status: criteria provided, multiple submitters, no conflicts (2 of 4 stars). 4 submissions from 4 submitters: Benign (4). Last evaluated 2026-01-27.

Conditions:
DST-related disorder. Also called: DST-related condition; DST-related disorders.
Hereditary sensory and autonomic neuropathy type 6. Also called: HSAN VI; Neuropathy, hereditary sensory and autonomic, type VI. Identifiers: Orphanet 314381, MedGen C3539003, MONDO:0013839, OMIM 614653.
Epidermolysis bullosa simplex 3, localized or generalized intermediate, with BP230 deficiency (EBS3). Also called: Epidermolysis bullosa simplex, autosomal recessive 2; Epidermolysis bullosa simplex due to BP230 deficiency. Identifiers: Orphanet 412181, MedGen C3809470, MONDO:0014180, OMIM 615425.

Allele frequency attached by ClinVar (database versions not stated): gnomAD exomes 0.00491; gnomAD 0.01784 and 0.01910; ExAC 0.00583; ESP Exome Variant Server 0.01962; TOPMed 0.02009; 1000 Genomes Project 30x 0.02171; 1000 Genomes Project 0.02157.
gnomAD v4.1: 5,290 of 1,613,806 alleles (0.33%); highest among the groups gnomAD compares: African/African-American, 6%; 136 homozygotes.

Submissions (4):

Labcorp Genetics (formerly Invitae), Labcorp
Classification: Benign for Epidermolysis bullosa simplex 3, localized or generalized intermediate, with BP230 deficiency; Hereditary sensory and autonomic neuropathy type 6. Last evaluated: 2026-01-27. Review status: criteria provided, single submitter. Criteria: Invitae Variant Classification Sherloc (09022015). Collection method: clinical testing. Allele origin: germline.

PreventionGenetics, part of Exact Sciences
Classification: Benign for DST-related condition. Last evaluated: 2025-03-12. Review status: criteria provided, single submitter. Criteria: ACMG Guidelines, 2015. Collection method: clinical testing. Allele origin: germline.
Comment: This variant is classified as benign based on ACMG/AMP sequence variant interpretation guidelines (Richards et al. 2015 PMID: 25741868, with internal and published modifications).

GeneDx
Classification: Benign. Last evaluated: 2021-05-25. Review status: criteria provided, single submitter. Criteria: GeneDx Variant Classification Process June 2021. Collection method: clinical testing. Allele origin: germline. Affected: yes.

Mayo Clinic Laboratories, Mayo Clinic
Classification: Benign. Last evaluated: 2016-11-25. Review status: criteria provided, single submitter. Criteria: ACMG Guidelines, 2015. Collection method: clinical testing. Allele origin: germline. Observed: 14 variant alleles.

NM_001374736.1(DST):c.18105T>C (p.Asp6035=)

Gene: DST (dystonin; minus strand). Cytogenetic location: 6p12.1.
Variant type: single nucleotide variant.
Coding change: c.18105T>C on transcript NM_001374736.1 (MANE Select); coding-DNA position 18105, T replaced by C.
Protein change: p.Asp6035=; no amino-acid change (aspartic acid 6035 retained).
Molecular consequence: synonymous variant.
Genome position (GRCh38, 1-based): chr6:56,526,385, A>G on the plus strand (T>C on the coding strand, the complement: DST is on the minus strand). VCF-style: chr6-56526385-A-G. GRCh37 (hg19) VCF-style: chr6-56391183-A-G.
Other names: p.Asp3412=; c.11748T>C, p.Asp3916= (NM_001144769.5); c.11334T>C, p.Asp3778= (NM_001144770.2); c.18105T>C, p.Asp6035= (NM_001374722.1); c.17145T>C, p.Asp5715= (NM_001374729.1); c.10887T>C, p.Asp3629= (NM_001374730.1); c.18132T>C, p.Asp6044= (NM_001374734.1); c.11214T>C, p.Asp3738= (NM_001386100.1, NM_183380.4); and 2 more.
Identifiers: ClinVar variation 795676 (VCV000795676.16), dbSNP rs148368712, ClinGen allele CA3867300.